The following is an entry in ClinVar:

ClinVar aggregate classification (germline): Benign/Likely benign. Review status: criteria provided, multiple submitters, no conflicts (2 of 4 stars). 8 submissions from 7 submitters: Benign (4); Likely benign (2). 2 of the submissions do not count toward it. Last evaluated 2025-12-28.

Conditions:
Diffuse nonepidermolytic palmoplantar keratoderma (NEPPK). Also called: Nonepidermolytic palmoplantar keratoderma; Nonepidermolytic palmoplantar hyperkeratosis. Identifiers: Orphanet 530838, MedGen C1833030, MONDO:0010962, OMIM 600962, HP:0007404.
Epidermolytic ichthyosis. Also called: Epidermolytic Hyperkeratosis; Congenital bullous ichthyosiform erythroderma; KRT10-Related Epidermolytic Hyperkeratosis; Bullous ichthyosiform erythroderma. Identifiers: Orphanet 312, MedGen C0079153, MONDO:0007239, HP:0007475.

Allele frequency attached by ClinVar (database versions not stated): 1000 Genomes Project 30x 0.00172; 1000 Genomes Project 0.00180; ESP Exome Variant Server 0.00300; TOPMed 0.00300; gnomAD 0.00311 and 0.00319; gnomAD exomes 0.00359 and 0.00454; ExAC 0.00452.
gnomAD v4.1: 7,051 of 1,612,820 alleles (0.44%); highest among the groups gnomAD compares: Non-Finnish European, 0.54%; 19 homozygotes.

Submissions (8):

Labcorp Genetics (formerly Invitae), Labcorp
Classification: Benign. Last evaluated: 2025-12-28. Review status: criteria provided, single submitter. Criteria: Invitae Variant Classification Sherloc (09022015). Collection method: clinical testing. Allele origin: germline.

CeGaT Center for Human Genetics Tuebingen
Classification: Likely benign. Last evaluated: 2025-12-01. Review status: criteria provided, single submitter. Criteria: CeGaT Center For Human Genetics Tuebingen Variant Classification Criteria Version 2. Collection method: clinical testing. Allele origin: germline. Affected: yes. Observed: 1 variant allele.
Comment: KRT1: BP4, BS2

Blueprint Genetics
Classification: Likely benign. Last evaluated: 2024-11-20. Review status: criteria provided, single submitter. Criteria: ACMG Guidelines, 2015. Collection method: clinical testing. Allele origin: germline.

Illumina Laboratory Services, Illumina
Classification: Benign for Epidermolytic hyperkeratosis 1. Last evaluated: 2018-01-13. Review status: criteria provided, single submitter. Criteria: ICSL Variant Classification Criteria 13 December 2019. Collection method: clinical testing. Allele origin: germline.
Comment: This variant was observed in the ICSL laboratory as part of a predisposition screen in an ostensibly healthy population. It had not been previously curated by ICSL or reported in the Human Gene Mutation Database (HGMD: prior to June 1st, 2018), and was therefore a candidate for classification through an automated scoring system. Utilizing variant allele frequency, disease prevalence and penetrance estimates, and inheritance mode, an automated score was calculated to assess if this variant is too frequent to cause the disease. Based on the score and internal cut-off values, a variant classified as benign is not then subjected to further curation. The score for this variant resulted in a classification of benign for this disease.

Illumina Laboratory Services, Illumina
Classification: Benign for Diffuse nonepidermolytic palmoplantar keratoderma. Last evaluated: 2018-01-13. Review status: criteria provided, single submitter. Criteria: ICSL Variant Classification Criteria 13 December 2019. Collection method: clinical testing. Allele origin: germline.
Comment: the same text as in the submission from Illumina Laboratory Services, Illumina above.

Breakthrough Genomics
Classification: Benign. Review status: criteria provided, single submitter. Criteria: ACMG Guidelines, 2015. Collection method: not provided. Allele origin: germline. Inheritance: Autosomal dominant inheritance. Affected: yes.

Diagnostic Laboratory, Department of Genetics, University Medical Center Groningen
Classification: Likely benign. Review status: no assertion criteria provided. Collection method: clinical testing. Allele origin: germline. Affected: yes. Study: VKGL Data-share Consensus. Not counted in ClinVar's aggregate classification.

Laboratory of Diagnostic Genome Analysis, Leiden University Medical Center (LUMC)
Classification: Likely benign. Review status: no assertion criteria provided. Collection method: clinical testing. Allele origin: germline. Affected: yes. Study: VKGL Data-share Consensus. Not counted in ClinVar's aggregate classification.

NM_006121.4(KRT1):c.592-8G>A

Gene: KRT1 (keratin 1; minus strand). Cytogenetic location: 12q13.13.
Variant type: single nucleotide variant.
Coding change: c.592-8G>A on transcript NM_006121.4 (MANE Select); 8 bases into the intron before coding-DNA position 592, G replaced by A.
Molecular consequence: intron variant.
Genome position (GRCh38, 1-based): chr12:52,678,764, C>T on the plus strand (G>A on the coding strand, the complement: KRT1 is on the minus strand). VCF-style: chr12-52678764-C-T. GRCh37 (hg19) VCF-style: chr12-53072548-C-T.
Identifiers: ClinVar variation 309651 (VCV000309651.25), dbSNP rs147622831, ClinGen allele CA6586396.